The following is an entry in ClinVar:

NM_014915.3(ANKRD26):c.3421A>G (p.Ser1141Gly)

Gene: ANKRD26 (ankyrin repeat domain 26; minus strand). Cytogenetic location: 10p12.1.
Variant type: single nucleotide variant.
Coding change: c.3421A>G on transcript NM_014915.3 (MANE Select); coding-DNA position 3421, A replaced by G.
Protein change: p.Ser1141Gly; replaces serine 1141 with glycine.
Molecular consequence: missense variant.
Genome position (GRCh38, 1-based): chr10:27,035,029, T>C on the plus strand (A>G on the coding strand, the complement: ANKRD26 is on the minus strand). VCF-style: chr10-27035029-T-C. GRCh37 (hg19) VCF-style: chr10-27323958-T-C.
Other names: c.3418A>G, p.Ser1140Gly (NM_001256053.2); short protein forms S1140G, S1141G.
Identifiers: ClinVar variation 4580358 (VCV004580358.1).

ClinVar aggregate classification (germline): Uncertain significance (1 of 4 stars; one submission).

Conditions:
Inborn genetic diseases. Identifiers: MedGen C0950123, MeSH D030342.

Submission:

Ambry Genetics
Classification: Uncertain significance for Inborn genetic diseases. Last evaluated: 2025-12-07. Review status: criteria provided, single submitter. Criteria: Ambry Variant Classification Scheme 2023. Collection method: clinical testing. Allele origin: germline.
Comment: The p.S1141G variant (also known as c.3421A>G), located in coding exon 24 of the ANKRD26 gene, results from an A to G substitution at nucleotide position 3421. The serine at codon 1141 is replaced by glycine, an amino acid with similar properties. This amino acid position is conserved. In addition, this alteration is predicted to be tolerated by in silico analysis. Based on the available evidence, the clinical significance of this variant remains unclear.